The following is an entry in ClinVar:

NM_001039348.3(EFEMP1):c.776A>T (p.Asp259Val)

Gene: EFEMP1 (EGF-like fibulin extracellular matrix protein 1; minus strand). Cytogenetic location: 2p16.1.
Variant type: single nucleotide variant.
Coding change: c.776A>T on transcript NM_001039348.3 (MANE Select); coding-DNA position 776, A replaced by T.
Protein change: p.Asp259Val; replaces aspartic acid 259 with valine.
Molecular consequence: missense variant.
Genome position (GRCh38, 1-based): chr2:55,876,727, T>A on the plus strand (A>T on the coding strand, the complement: EFEMP1 is on the minus strand). VCF-style: chr2-55876727-T-A. GRCh37 (hg19) VCF-style: chr2-56103862-T-A.
Other names: c.776A>T, p.Asp259Val (NM_001039349.3); short protein forms D259V.
Identifiers: ClinVar variation 958504 (VCV000958504.9), dbSNP rs1669048815, ClinGen allele CA347029090.

ClinVar aggregate classification (germline): Uncertain significance (1 of 4 stars; one submission).

Submission:

Labcorp Genetics (formerly Invitae), Labcorp
Classification: Uncertain significance. Last evaluated: 2022-07-19. Review status: criteria provided, single submitter. Criteria: Invitae Variant Classification Sherloc (09022015). Collection method: clinical testing. Allele origin: germline.
Comment: This sequence change replaces aspartic acid, which is acidic and polar, with valine, which is neutral and non-polar, at codon 259 of the EFEMP1 protein (p.Asp259Val). This variant is not present in population databases (gnomAD no frequency). In summary, the available evidence is currently insufficient to determine the role of this variant in disease. Therefore, it has been classified as a Variant of Uncertain Significance. Algorithms developed to predict the effect of missense changes on protein structure and function (SIFT, PolyPhen-2, Align-GVGD) all suggest that this variant is likely to be disruptive. ClinVar contains an entry for this variant (Variation ID: 958504). This variant has not been reported in the literature in individuals affected with EFEMP1-related conditions.